The following is an entry in ClinVar:

NM_001267550.2(TTN):c.69676A>G (p.Ser23226Gly)

Genes: TTN (titin; minus strand), TTN-AS1 (TTN antisense RNA 1; plus strand), LOC126806422 (BRD4-independent group 4 enhancer GRCh37_chr2:179440205-179441404; plus strand). Cytogenetic location: 2q31.2.
Variant type: single nucleotide variant.
Coding change: c.69676A>G on transcript NM_001267550.2 (MANE Select); coding-DNA position 69676, A replaced by G.
Protein change: p.Ser23226Gly; replaces serine 23226 with glycine.
Molecular consequence: missense variant.
Genome position (GRCh38, 1-based): chr2:178,576,568, T>C on the plus strand (A>G on the coding strand, the complement: TTN is on the minus strand). VCF-style: chr2-178576568-T-C. GRCh37 (hg19) VCF-style: chr2-179441295-T-C.
Other names: p.S20658G:AGT>GGT; p.Ser21585Gly; c.64753A>G, p.Ser21585Gly (NM_001256850.1); c.42481A>G, p.Ser14161Gly (NM_003319.4); c.61972A>G, p.Ser20658Gly (NM_133378.4); c.42856A>G, p.Ser14286Gly (NM_133432.3); c.43057A>G, p.Ser14353Gly (NM_133437.4); short protein forms S23226G, S20658G, S21585G, S14161G, S14286G, S14353G.
Identifiers: ClinVar variation 47275 (VCV000047275.80), dbSNP rs72646885, ClinGen allele CA140533.

ClinVar aggregate classification (germline): Benign/Likely benign. Review status: criteria provided, multiple submitters, no conflicts (2 of 4 stars). 31 submissions from 24 submitters: Benign (17); Likely benign (7). 7 of the submissions do not count toward it. Last evaluated 2026-09-01.

Conditions:
Ventricular tachycardia. Identifiers: MedGen C0042514, MONDO:0005477, HP:0004756.
Hypertrophic cardiomyopathy. Also called: HYPERTROPHIC MYOCARDIOPATHY. Identifiers: Orphanet 217569, MedGen C0007194, MeSH D002312, MONDO:0005045, HP:0001639.
Familial dilated cardiomyopathy and peripheral neuropathy.
Cardiovascular phenotype. Identifiers: MedGen CN230736.
TTN-related disorder. Also called: TTN-related disorders; TTN-related condition; TTN-related disease.
Dilated cardiomyopathy 1G (CMD1G). Identifiers: Orphanet 154, MedGen C1858763, MONDO:0011400, OMIM 604145.
Autosomal recessive limb-girdle muscular dystrophy type 2J (LGMDR10). Also called: MUSCULAR DYSTROPHY, LIMB-GIRDLE, AUTOSOMAL RECESSIVE 10; Limb-girdle muscular dystrophy, type 2J. Identifiers: Orphanet 140922, MedGen C1837342, MONDO:0012127, OMIM 608807.
Cardiomyopathy (CMYO). Also called: Cardiomyopathies. Identifiers: Orphanet 167848, MedGen C0878544, MONDO:0004994, HP:0001638. Inheritance: Various modes of inheritance.
Myopathy, myofibrillar, 9, with early respiratory failure (MFM9). Also called: Myopathy, distal, with early respiratory failure, autosomal dominant; Hereditary myopathy with early respiratory failure; MYOPATHY, PROXIMAL, WITH EARLY RESPIRATORY MUSCLE INVOLVEMENT; EDSTROM MYOPATHY. Identifiers: Orphanet 178464, Orphanet 34521, MedGen C1863599, MONDO:0011362, OMIM 603689.
Early-onset myopathy with fatal cardiomyopathy (CMYO5). Also called: CONGENITAL MYOPATHY 5 WITH CARDIOMYOPATHY; Salih Myopathy. Identifiers: Orphanet 289377, MedGen C2673677, MONDO:0012714, OMIM 611705. Disease mechanism: loss of function.
Tibial muscular dystrophy (TMD). Also called: Udd Distal Myopathy – Tibial Muscular Dystrophy; Tibial muscular dystrophy, tardive; UDD MYOPATHY. Identifiers: Orphanet 609, MedGen C1838244, MONDO:0010870, OMIM 600334.

Allele frequency attached by ClinVar (database versions not stated): 1000 Genomes Project 0.00300; TOPMed 0.00570; gnomAD 0.00573 and 0.00553; gnomAD exomes 0.00755 and 0.00707; ESP Exome Variant Server 0.00659; ExAC 0.00752; 1000 Genomes Project 30x 0.00328.
gnomAD v4.1: 11,336 of 1,613,606 alleles (0.7%); highest among the groups gnomAD compares: Middle Eastern, 1.8%; 78 homozygotes.

Submissions 1 to 19 of 67:

CeGaT Center for Human Genetics Tuebingen
Classification: Benign. Last evaluated: 2026-09-01. Review status: criteria provided, single submitter. Criteria: CeGaT Center For Human Genetics Tuebingen Variant Classification Criteria Version 2. Collection method: clinical testing. Allele origin: germline. Affected: yes. Observed: 162 variant alleles.
Comment: TTN: PP3, BS1, BS2

Labcorp Genetics (formerly Invitae), Labcorp
Classification: Benign for Dilated cardiomyopathy 1G; Autosomal recessive limb-girdle muscular dystrophy type 2J. Last evaluated: 2026-02-04. Review status: criteria provided, single submitter. Criteria: Invitae Variant Classification Sherloc (09022015). Collection method: clinical testing. Allele origin: germline.

Genomic Medicine Center of Excellence, King Faisal Specialist Hospital and Research Centre
Classification: Likely benign. Last evaluated: 2025-08-18. Review status: criteria provided, single submitter. Criteria: ACMG Guidelines, 2015. Collection method: clinical testing. Allele origin: germline.

ARUP Laboratories, Molecular Genetics and Genomics, ARUP Laboratories
Classification: Benign. Last evaluated: 2025-06-02. Review status: criteria provided, single submitter. Criteria: ARUP Molecular Germline Variant Investigation Process 2024. Collection method: clinical testing. Allele origin: germline.

Molecular Diagnostic Laboratory for Inherited Cardiovascular Disease, Montreal Heart Institute
Classification: Likely benign. Last evaluated: 2025-04-09. Review status: criteria provided, single submitter. Criteria: ACMG Guidelines, 2015. Collection method: clinical testing. Allele origin: germline. Affected: no.

Mayo Clinic Laboratories, Mayo Clinic
Classification: Benign. Last evaluated: 2025-01-30. Review status: criteria provided, single submitter. Criteria: ACMG Guidelines, 2015. Collection method: clinical testing. Allele origin: germline. Observed: 33 variant alleles.
Comment: BS1, BS2

Genome-Nilou Lab
Classification: Benign for Autosomal recessive limb-girdle muscular dystrophy type 2J. Last evaluated: 2021-09-10. Review status: criteria provided, single submitter. Criteria: ACMG Guidelines, 2015. Collection method: clinical testing. Allele origin: germline. Affected: no.

Genome-Nilou Lab
Classification: Benign for Myopathy, myofibrillar, 9, with early respiratory failure. Last evaluated: 2021-09-10. Review status: criteria provided, single submitter. Criteria: ACMG Guidelines, 2015. Collection method: clinical testing. Allele origin: germline. Affected: no.

Genome-Nilou Lab
Classification: Benign for Early-onset myopathy with fatal cardiomyopathy. Last evaluated: 2021-09-10. Review status: criteria provided, single submitter. Criteria: ACMG Guidelines, 2015. Collection method: clinical testing. Allele origin: germline. Affected: no.

Genome-Nilou Lab
Classification: Benign for Tibial muscular dystrophy. Last evaluated: 2021-09-10. Review status: criteria provided, single submitter. Criteria: ACMG Guidelines, 2015. Collection method: clinical testing. Allele origin: germline. Affected: no.

Women's Health and Genetics/Laboratory Corporation of America, LabCorp
Classification: Likely benign. Last evaluated: 2020-11-17. Review status: criteria provided, single submitter. Criteria: LabCorp Variant Classification Summary - May 2015. Collection method: clinical testing. Allele origin: germline.

Center for Advanced Laboratory Medicine, UC San Diego Health, University of California San Diego
Classification: Benign for Familial dilated cardiomyopathy and peripheral neuropathy; Ventricular tachycardia; Hypertrophic cardiomyopathy. Last evaluated: 2019-06-03. Review status: criteria provided, single submitter. Criteria: ACMG Guidelines, 2015. Collection method: clinical testing. Allele origin: germline. Affected: yes. Observed: 5 variant alleles.

Illumina Laboratory Services, Illumina
Classification: Likely benign for Dilated cardiomyopathy 1G. Last evaluated: 2018-01-12. Review status: criteria provided, single submitter. Criteria: ICSL Variant Classification Criteria 13 December 2019. Collection method: clinical testing. Allele origin: germline.
Comment: This variant was observed in the ICSL laboratory as part of a predisposition screen in an ostensibly healthy population. It had not been previously curated by ICSL or reported in the Human Gene Mutation Database (HGMD: prior to June 1st, 2018), and was therefore a candidate for classification through an automated scoring system. Utilizing variant allele frequency, disease prevalence and penetrance estimates, and inheritance mode, an automated score was calculated to assess if this variant is too frequent to cause the disease. Based on the score and internal cut-off values, a variant classified as likely benign is not then subjected to further curation. The score for this variant resulted in a classification of likely benign for this disease.

Illumina Laboratory Services, Illumina
Classification: Likely benign for Autosomal recessive limb-girdle muscular dystrophy type 2J. Last evaluated: 2018-01-12. Review status: criteria provided, single submitter. Criteria: ICSL Variant Classification Criteria 13 December 2019. Collection method: clinical testing. Allele origin: germline.
Comment: the same text as in the submission from Illumina Laboratory Services, Illumina above.

Illumina Laboratory Services, Illumina
Classification: Benign for Myopathy, myofibrillar, 9, with early respiratory failure. Last evaluated: 2018-01-12. Review status: criteria provided, single submitter. Criteria: ICSL Variant Classification Criteria 13 December 2019. Collection method: clinical testing. Allele origin: germline.
Comment: This variant was observed in the ICSL laboratory as part of a predisposition screen in an ostensibly healthy population. It had not been previously curated by ICSL or reported in the Human Gene Mutation Database (HGMD: prior to June 1st, 2018), and was therefore a candidate for classification through an automated scoring system. Utilizing variant allele frequency, disease prevalence and penetrance estimates, and inheritance mode, an automated score was calculated to assess if this variant is too frequent to cause the disease. Based on the score and internal cut-off values, a variant classified as benign is not then subjected to further curation. The score for this variant resulted in a classification of benign for this disease.

Illumina Laboratory Services, Illumina
Classification: Benign for Tibial muscular dystrophy. Last evaluated: 2018-01-12. Review status: criteria provided, single submitter. Criteria: ICSL Variant Classification Criteria 13 December 2019. Collection method: clinical testing. Allele origin: germline.
Comment: the same text as in the submission from Illumina Laboratory Services, Illumina above.

Illumina Laboratory Services, Illumina
Classification: Likely benign for Early-onset myopathy with fatal cardiomyopathy. Last evaluated: 2018-01-12. Review status: criteria provided, single submitter. Criteria: ICSL Variant Classification Criteria 13 December 2019. Collection method: clinical testing. Allele origin: germline.
Comment: the same text as in the submission from Illumina Laboratory Services, Illumina above.

CHEO Genetics Diagnostic Laboratory, Children's Hospital of Eastern Ontario
Classification: Benign for Cardiomyopathy. Last evaluated: 2016-11-17. Review status: criteria provided, single submitter. Criteria: ACMG Guidelines, 2015. Collection method: clinical testing. Allele origin: germline. Study: Canadian Open Genetics Repository.

GeneDx
Classification: Benign. Last evaluated: 2016-06-28. Review status: criteria provided, single submitter. Criteria: GeneDx Variant Classification (06012015). Collection method: clinical testing. Allele origin: germline. Affected: yes.
Comment: This variant is considered likely benign or benign based on one or more of the following criteria: it is a conservative change, it occurs at a poorly conserved position in the protein, it is predicted to be benign by multiple in silico algorithms, and/or has population frequency not consistent with disease.